The following is an entry in ClinVar:

NM_002890.3(RASA1):c.1719G>C (p.Gln573His)

Genes: CCNH (cyclin H; minus strand), RASA1 (RAS p21 protein activator 1; plus strand). Cytogenetic location: 5q14.3.
Variant type: single nucleotide variant.
Coding change: c.1719G>C on transcript NM_002890.3 (MANE Select); coding-DNA position 1719, G replaced by C.
Protein change: p.Gln573His; replaces glutamine 573 with histidine.
Molecular consequence: missense variant. On other transcripts: intron variant (1).
Genome position (GRCh38, 1-based): chr5:87,372,138, G>C. VCF-style: chr5-87372138-G-C. GRCh37 (hg19) VCF-style: chr5-86667955-G-C.
Other names: c.1188G>C, p.Gln396His (NM_022650.3); c.933+22906C>G (NM_001364075.2); short protein forms Q573H, Q396H.
Identifiers: ClinVar variation 1445353 (VCV001445353.7), dbSNP rs1760995498, ClinGen allele CA360373029.

ClinVar aggregate classification (germline): Uncertain significance (1 of 4 stars; one submission).

Conditions:
Capillary malformation-arteriovenous malformation syndrome. Also called: Capillary malformation-arteriovenous malformation. Identifiers: Orphanet 137667, MedGen C1842180, MONDO:0012016.

Submission:

Labcorp Genetics (formerly Invitae), Labcorp
Classification: Uncertain significance for Capillary malformation-arteriovenous malformation syndrome. Last evaluated: 2021-09-16. Review status: criteria provided, single submitter. Criteria: Invitae Variant Classification Sherloc (09022015). Collection method: clinical testing. Allele origin: germline.
Comment: This sequence change replaces glutamine with histidine at codon 573 of the RASA1 protein (p.Gln573His). The glutamine residue is moderately conserved and there is a small physicochemical difference between glutamine and histidine. In summary, the available evidence is currently insufficient to determine the role of this variant in disease. Therefore, it has been classified as a Variant of Uncertain Significance. Algorithms developed to predict the effect of missense changes on protein structure and function are either unavailable or do not agree on the potential impact of this missense change (SIFT: "Deleterious"; PolyPhen-2: "Benign"; Align-GVGD: "Class C0"). This variant has not been reported in the literature in individuals affected with RASA1-related conditions. This variant is not present in population databases (ExAC no frequency).